The following is an entry in ClinVar:

NM_032656.4(DHX37):c.994C>G (p.Gln332Glu)

Gene: DHX37 (DEAH-box helicase 37; minus strand). Cytogenetic location: 12q24.31.
Variant type: single nucleotide variant.
Coding change: c.994C>G on transcript NM_032656.4 (MANE Select); coding-DNA position 994, C replaced by G.
Protein change: p.Gln332Glu; replaces glutamine 332 with glutamic acid.
Molecular consequence: missense variant.
Genome position (GRCh38, 1-based): chr12:124,972,586, G>C on the plus strand (C>G on the coding strand, the complement: DHX37 is on the minus strand). VCF-style: chr12-124972586-G-C. GRCh37 (hg19) VCF-style: chr12-125457132-G-C.
Other names: short protein forms Q332E.
Identifiers: ClinVar variation 3376603 (VCV003376603.1).
Genomic context (GRCh38, chr12:124,972,586, plus strand): 5'-CACCATCCGTCATGAACTTGATTCTGGTCTCCTCTGTCACGTTTCCTTCATACCGGATCT[G>C]GTAGGAGACGACCCTGTATGGGCAGAGTTCGGGTTAGGGCAGAGCCGTGCCTGGCTGGGG-3'
Protein context (NP_116045.2, residues 322-342): MNLSQRVVSY[Gln332Glu]IRYEGNVTEE

ClinVar aggregate classification (germline): Uncertain significance (1 of 4 stars; one submission).

Conditions:
46,XY sex reversal 11. Also called: Testicular regression syndrome; ANORCHIA, FAMILIAL; TESTICULAR REGRESSION, EMBRYONIC; Vanishing testis. Identifiers: Orphanet 983, MedGen C0266427, MONDO:8000015, OMIM 273250, HP:0012870.

Submission:

Victorian Clinical Genetics Services, Murdoch Childrens Research Institute
Classification: Uncertain significance for 46,XY sex reversal 11. Last evaluated: 2023-12-21. Review status: criteria provided, single submitter. Criteria: ACMG Guidelines, 2015. Collection method: clinical testing. Allele origin: germline. Inheritance: Autosomal dominant inheritance. Affected: yes.
Comment: Based on the classification scheme VCGS_Germline_v1.3.4, this variant is classified as VUS-3A. Following criteria are met: 0105 - The mechanism of disease for this gene is not clearly established. (I) 0108 - This gene is associated with both recessive and dominant disease. Monoallelic variants are associated with DHX37-related DSD (MIM#273250), while biallelic variants are associated with neurodevelopmental disorder with brain anomalies and with or without vertebral or cardiac anomalies (MIM#618731) (OMIM). (I) 0200 - Variant is predicted to result in a missense amino acid change from glutamine to glutamic acid. (I) 0251 - This variant is heterozygous. (I) 0301 - Variant is absent from gnomAD (both v2 and v3). (SP) 0309 - An alternative amino acid change at the same position has been observed in gnomAD (v2) (1 heterozygote, 0 homozygotes). (I) 0502 - Missense variant with conflicting in silico predictions and uninformative conservation. (I) 0601 - Variant is located in the well-established functional helicase ATP binding domain (UniProt). This domain is important for catalytic activity (PMID: 30582406). Variants associated with DHX37-related DSD have been reported exclusively in the helicase core region of the protein, of which this domain is a component (PMID: 31745530, 31337883, 31287541). (SP) 0705 - No comparable missense variants have previous evidence for pathogenicity. (I) 0807 - This variant has no previous evidence of pathogenicity. (I) 0905 - No published segregation evidence has been identified for this variant. (I) 1007 - No published functional evidence has been identified for this variant. (I) 1207 - Parental origin of the variant is unresolved. (I) Legend: (SP) - Supporting pathogenic, (I) - Information, (SB) - Supporting benign

Literature cited by the submitters: PubMed 30582406; PubMed 31287541; PubMed 31337883; PubMed 31745530.